The following is an entry in ClinVar:

NM_014336.5(AIPL1):c.297C>G (p.Ile99Met)

Gene: AIPL1 (AIP like 1 HSP90 co-chaperone; minus strand). Cytogenetic location: 17p13.2.
Variant type: single nucleotide variant.
Coding change: c.297C>G on transcript NM_014336.5 (MANE Select); coding-DNA position 297, C replaced by G.
Protein change: p.Ile99Met; replaces isoleucine 99 with methionine.
Molecular consequence: missense variant. On other transcripts: intron variant (1).
Genome position (GRCh38, 1-based): chr17:6,428,486, G>C on the plus strand (C>G on the coding strand, the complement: AIPL1 is on the minus strand). VCF-style: chr17-6428486-G-C. GRCh37 (hg19) VCF-style: chr17-6331806-G-C.
Other names: c.117C>G, p.Ile39Met (NM_001033055.3); c.261C>G, p.Ile87Met (NM_001285399.3); c.231C>G, p.Ile77Met (NM_001285400.3); c.297C>G, p.Ile99Met (NM_001285401.3, NM_001285403.4); c.180C>G, p.Ile60Met (NM_001285402.2); c.277-1429C>G (NM_001033054.3); short protein forms I60M, I39M, I77M, I87M, I99M.
Identifiers: ClinVar variation 2159507 (VCV002159507.5), dbSNP rs145369191, ClinGen allele CA8328548.
Genomic context (GRCh38, chr17:6,428,486, plus strand): 5'-GTGCACGTGCCACTCTGTGGGGTCCTTGCCCTGGGCCATCTGCCTCAGGCTCCGGGATAG[G>C]ATGGGGTAGACCCCCGTGTGCTGTGGGGATAAACGGATGGATGGCATCCAGGCTACCTGC-3'
Protein context (NP_055151.3, residues 89-109): CDTIHTGVYP[Ile99Met]LSRSLRQMAQ

ClinVar aggregate classification (germline): Uncertain significance. Review status: criteria provided, multiple submitters, no conflicts (2 of 4 stars). 2 submissions from 2 submitters: Uncertain significance (2). Last evaluated 2022-07-03.

Conditions:
Leber congenital amaurosis 4 (LCA4). Identifiers: MedGen C1858386, MONDO:0011458, OMIM 604393.

Allele frequency attached by ClinVar (database versions not stated): TOPMed below 0.00001; gnomAD 0.00001; ExAC 0.00002; ESP Exome Variant Server 0.00008.
gnomAD v4.1: 19 of 1,613,834 alleles (0.0012%); highest among the groups gnomAD compares: Non-Finnish European, 0.0016%; no homozygotes.

Submissions (2):

Labcorp Genetics (formerly Invitae), Labcorp
Classification: Uncertain significance for Leber congenital amaurosis 4. Last evaluated: 2022-07-03. Review status: criteria provided, single submitter. Criteria: Invitae Variant Classification Sherloc (09022015). Collection method: clinical testing. Allele origin: germline.
Comment: In summary, the available evidence is currently insufficient to determine the role of this variant in disease. Therefore, it has been classified as a Variant of Uncertain Significance. Algorithms developed to predict the effect of missense changes on protein structure and function output the following: SIFT: "Tolerated"; PolyPhen-2: "Benign"; Align-GVGD: "Class C0". The methionine amino acid residue is found in multiple mammalian species, which suggests that this missense change does not adversely affect protein function. This variant has not been reported in the literature in individuals affected with AIPL1-related conditions. This variant is present in population databases (rs145369191, gnomAD 0.002%). This sequence change replaces isoleucine, which is neutral and non-polar, with methionine, which is neutral and non-polar, at codon 99 of the AIPL1 protein (p.Ile99Met).

Blueprint Genetics
Classification: Uncertain significance. Last evaluated: 2019-07-12. Review status: criteria provided, single submitter. Criteria: ACMG Guidelines, 2015. Collection method: clinical testing. Allele origin: germline.